The following is an entry in ClinVar:

ClinVar aggregate classification (germline): Likely benign (1 of 4 stars; one submission).

Allele frequency attached by ClinVar (database versions not stated): gnomAD exomes 0.00001; gnomAD 0.00001; TOPMed below 0.00001; ExAC 0.00001.
gnomAD v4.1: 1 of 1,534,204 alleles (0.000065%); highest among the groups gnomAD compares: Non-Finnish European, 0.000088%; no homozygotes.

Submission:

GeneDx
Classification: Likely benign. Last evaluated: 2018-04-09. Review status: criteria provided, single submitter. Criteria: GeneDx Variant Classification (06012015). Collection method: clinical testing. Allele origin: germline. Affected: yes.
Comment: This variant is considered likely benign or benign based on one or more of the following criteria: it is a conservative change, it occurs at a poorly conserved position in the protein, it is predicted to be benign by multiple in silico algorithms, and/or has population frequency not consistent with disease.

NM_001267550.2(TTN):c.72779A>C (p.Glu24260Ala)

Genes: TTN (titin; minus strand), TTN-AS1 (TTN antisense RNA 1; plus strand). Cytogenetic location: 2q31.2.
Variant type: single nucleotide variant.
Coding change: c.72779A>C on transcript NM_001267550.2 (MANE Select); coding-DNA position 72779, A replaced by C.
Protein change: p.Glu24260Ala; replaces glutamic acid 24260 with alanine.
Molecular consequence: missense variant.
Genome position (GRCh38, 1-based): chr2:178,573,353, T>G on the plus strand (A>C on the coding strand, the complement: TTN is on the minus strand). VCF-style: chr2-178573353-T-G. GRCh37 (hg19) VCF-style: chr2-179438080-T-G.
Other names: c.67856A>C, p.Glu22619Ala (NM_001256850.1); c.45584A>C, p.Glu15195Ala (NM_003319.4); c.65075A>C, p.Glu21692Ala (NM_133378.4); c.45959A>C, p.Glu15320Ala (NM_133432.3); c.46160A>C, p.Glu15387Ala (NM_133437.4); short protein forms E15320A, E24260A, E21692A, E15195A, E22619A, E15387A.
Identifiers: ClinVar variation 681156 (VCV000681156.1), dbSNP rs770306141, ClinGen allele CA1990453.